The following is an entry in ClinVar:

NM_017654.4(SAMD9):c.572T>C (p.Ile191Thr)

Gene: SAMD9 (sterile alpha motif domain containing 9; minus strand). Cytogenetic location: 7q21.2.
Variant type: single nucleotide variant.
Coding change: c.572T>C on transcript NM_017654.4 (MANE Select); coding-DNA position 572, T replaced by C.
Protein change: p.Ile191Thr; replaces isoleucine 191 with threonine.
Molecular consequence: missense variant.
Genome position (GRCh38, 1-based): chr7:93,105,526, A>G on the plus strand (T>C on the coding strand, the complement: SAMD9 is on the minus strand). VCF-style: chr7-93105526-A-G. GRCh37 (hg19) VCF-style: chr7-92734839-A-G.
Other names: c.572T>C, p.Ile191Thr (NM_001193307.2); c.572T>C (NM_017654.3); short protein forms I191T.
Identifiers: ClinVar variation 2756112 (VCV002756112.4), dbSNP rs1791623170, ClinGen allele CA368204606.

ClinVar aggregate classification (germline): Uncertain significance. Review status: criteria provided, multiple submitters, no conflicts (2 of 4 stars). 2 submissions from 2 submitters: Uncertain significance (2). Last evaluated 2025-09-14.

Conditions:
Inborn genetic diseases. Identifiers: MedGen C0950123, MeSH D030342.

Allele frequency attached by ClinVar (database versions not stated): TOPMed below 0.00001.
gnomAD v4.1: 1 of 1,614,108 alleles (0.000062%); highest among the groups gnomAD compares: Non-Finnish European, 0.000085%; no homozygotes.

Submissions (2):

Ambry Genetics
Classification: Uncertain significance for Inborn genetic diseases. Last evaluated: 2025-09-14. Review status: criteria provided, single submitter. Criteria: Ambry Variant Classification Scheme 2023. Collection method: clinical testing. Allele origin: germline.
Comment: The p.I191T variant (also known as c.572T>C), located in coding exon 1 of the SAMD9 gene, results from a T to C substitution at nucleotide position 572. The isoleucine at codon 191 is replaced by threonine, an amino acid with similar properties. This amino acid position is conserved. In addition, this alteration is predicted to be tolerated by in silico analysis. Based on the available evidence, the clinical significance of this variant remains unclear.

Labcorp Genetics (formerly Invitae), Labcorp
Classification: Uncertain significance. Last evaluated: 2024-06-11. Review status: criteria provided, single submitter. Criteria: Invitae Variant Classification Sherloc (09022015). Collection method: clinical testing. Allele origin: germline.
Comment: This sequence change replaces isoleucine, which is neutral and non-polar, with threonine, which is neutral and polar, at codon 191 of the SAMD9 protein (p.Ile191Thr). This variant is not present in population databases (gnomAD no frequency). This variant has not been reported in the literature in individuals affected with SAMD9-related conditions. Advanced modeling of protein sequence and biophysical properties (such as structural, functional, and spatial information, amino acid conservation, physicochemical variation, residue mobility, and thermodynamic stability) has been performed at Invitae for this missense variant, however the output from this modeling did not meet the statistical confidence thresholds required to predict the impact of this variant on SAMD9 protein function. In summary, the available evidence is currently insufficient to determine the role of this variant in disease. Therefore, it has been classified as a Variant of Uncertain Significance.